The following is an entry in ClinVar:

NM_025074.7(FRAS1):c.1571C>T (p.Thr524Met)

Gene: FRAS1 (Fraser extracellular matrix complex subunit 1; plus strand). Cytogenetic location: 4q21.21.
Variant type: single nucleotide variant.
Coding change: c.1571C>T on transcript NM_025074.7 (MANE Select); coding-DNA position 1571, C replaced by T.
Protein change: p.Thr524Met; replaces threonine 524 with methionine.
Molecular consequence: missense variant.
Genome position (GRCh38, 1-based): chr4:78,308,102, C>T. VCF-style: chr4-78308102-C-T. GRCh37 (hg19) VCF-style: chr4-79229256-C-T.
Other names: c.1571C>T, p.Thr524Met (NM_001166133.2); short protein forms T524M.
Identifiers: ClinVar variation 2414656 (VCV002414656.3), dbSNP rs772777587, ClinGen allele CA2976351.

ClinVar aggregate classification (germline): Uncertain significance (1 of 4 stars; one submission).

Allele frequency attached by ClinVar (database versions not stated): gnomAD 0.00002.
gnomAD v4.1: 27 of 1,613,454 alleles (0.0017%); highest among the groups gnomAD compares: Middle Eastern, 0.016%; 1 homozygote.

Submission:

Labcorp Genetics (formerly Invitae), Labcorp
Classification: Uncertain significance. Last evaluated: 2022-03-26. Review status: criteria provided, single submitter. Criteria: Invitae Variant Classification Sherloc (09022015). Collection method: clinical testing. Allele origin: germline.
Comment: This sequence change replaces threonine, which is neutral and polar, with methionine, which is neutral and non-polar, at codon 524 of the FRAS1 protein (p.Thr524Met). This variant is present in population databases (rs772777587, gnomAD 0.006%). This variant has not been reported in the literature in individuals affected with FRAS1-related conditions. Algorithms developed to predict the effect of missense changes on protein structure and function are either unavailable or do not agree on the potential impact of this missense change (SIFT: "Deleterious"; PolyPhen-2: "Benign"; Align-GVGD: "Class C0"). In summary, the available evidence is currently insufficient to determine the role of this variant in disease. Therefore, it has been classified as a Variant of Uncertain Significance.